The following is an entry in ClinVar:

NM_001374385.1(ATP8B1):c.918_919insTTTTCTGTCCTTTGTCCATCAAAACCAAAAGAAGAGTAAT (p.His307delinsPheSerValLeuCysProSerLysProLysGluGluTer)

Gene: ATP8B1 (ATPase phospholipid transporting 8B1; minus strand). Cytogenetic location: 18q21.31.
Variant type: Insertion.
Coding change: c.918_919insTTTTCTGTCCTTTGTCCATCAAAACCAAAAGAAGAGTAAT on transcript NM_001374385.1 (MANE Select); coding-DNA positions 918 to 919, TTTTCTGTCCTTTGTCCATCAAAACCAAAAGAAGAGTAAT inserted.
Protein change: p.His307delinsPheSerValLeuCysProSerLysProLysGluGluTer.
Molecular consequence: nonsense.
Genome position: GRCh38: chr18:57,695,192-57,695,193. GRCh37 (hg19): chr18:55,362,424-55,362,425.
Other names: c.768_769insTTTTCTGTCCTTTGTCCATCAAAACCAAAAGAAGAGTAAT, p.His257delinsPheSerValLeuCysProSerLysProLysGluGluTer (NM_001374386.1); c.918_919insTTTTCTGTCCTTTGTCCATCAAAACCAAAAGAAGAGTAAT, p.His307delinsPheSerValLeuCysProSerLysProLysGluGluTer (NM_005603.6).
Identifiers: ClinVar variation 2852209 (VCV002852209.3), dbSNP rs2511769499, ClinGen allele CA2739268771.

ClinVar aggregate classification (germline): Pathogenic (1 of 4 stars; one submission).

Submission:

Labcorp Genetics (formerly Invitae), Labcorp
Classification: Pathogenic. Last evaluated: 2023-04-06. Review status: criteria provided, single submitter. Criteria: Invitae Variant Classification Sherloc (09022015). Collection method: clinical testing. Allele origin: germline.
Comment: Algorithms developed to predict the effect of sequence changes on RNA splicing suggest that this variant may create or strengthen a splice site. For these reasons, this variant has been classified as Pathogenic. This variant is not present in population databases (gnomAD no frequency). This sequence change creates a premature translational stop signal (p.His307Phefs*13) in the ATP8B1 gene. It is expected to result in an absent or disrupted protein product. Loss-of-function variants in ATP8B1 are known to be pathogenic (PMID: 15239083, 22525741). This variant has not been reported in the literature in individuals affected with ATP8B1-related conditions.

Literature cited by the submitters: PubMed 15239083; PubMed 22525741.